The following is an entry in ClinVar:

NM_000090.4(COL3A1):c.3472G>C (p.Gly1158Arg)

Gene: COL3A1 (collagen type III alpha 1 chain; plus strand). Cytogenetic location: 2q32.2.
Variant type: single nucleotide variant.
Coding change: c.3472G>C on transcript NM_000090.4 (MANE Select); coding-DNA position 3472, G replaced by C.
Protein change: p.Gly1158Arg; replaces glycine 1158 with arginine.
Molecular consequence: missense variant.
Genome position (GRCh38, 1-based): chr2:189,008,089, G>C. VCF-style: chr2-189008089-G-C. GRCh37 (hg19) VCF-style: chr2-189872815-G-C.
Identifiers: ClinVar variation 101484 (VCV000101484.5), dbSNP rs587779715, ClinGen allele CA006425.

ClinVar aggregate classification (germline): Pathogenic/Likely pathogenic. Review status: criteria provided, multiple submitters, no conflicts (2 of 4 stars). 3 submissions from 3 submitters: Pathogenic (1); Likely pathogenic (1). 1 of the submissions does not count toward it. Last evaluated 2024-12-05.

Conditions:
Cardiovascular phenotype. Identifiers: MedGen CN230736.
COL3A1-related disorder. Also called: COL3A1-related condition.
Ehlers-Danlos syndrome, type 4 (EDSVASC). Also called: Ehlers-Danlos syndrome vascular type; Ehlers Danlos syndrome, ecchymotic type; Ehlers Danlos syndrome, arterial type; Ehlers Danlos syndrome, Sack-Barabas type; Ehlers-Danlos Syndrome Type IV. Identifiers: Orphanet 286, MedGen C0268338, MONDO:0017314, OMIM 130050.

Submissions (3):

Molecular Diagnostic Laboratory for Inherited Cardiovascular Disease, Montreal Heart Institute
Classification: Pathogenic for Cardiovascular phenotype. Last evaluated: 2024-12-05. Review status: criteria provided, single submitter. Criteria: ACMG Guidelines, 2015. Collection method: clinical testing. Allele origin: germline. Affected: yes.
Comment: PM1, PM2, PP1_mod, PS4_supp, PP2, PP3

PreventionGenetics, part of Exact Sciences
Classification: Likely pathogenic for COL3A1-related condition. Last evaluated: 2022-11-14. Review status: criteria provided, single submitter. Criteria: ACMG Guidelines, 2015. Collection method: clinical testing. Allele origin: germline.
Comment: The COL3A1 c.3472G>C variant is predicted to result in the amino acid substitution p.Gly1158Arg. This variant was reported in a study of individuals with vascular Ehlers-Danlos syndrome (EDS type IV) (Supplementary Table S1, Pepin et al. 2014. PubMed ID: 24922459). Of note, another variant impacting this same amino acid was also reported in the same study of individuals with vascular EDS [c.3473G>A (p.Gly1158Asp), Supplementary Table S1, Pepin et al. 2014. PubMed ID: 24922459]. The c.3472G>C variant has not been reported in a large population database, indicating this variant is rare. The majority of documented causative missense variants in COL3A1 substitute a glycine residue to another amino acid in the Gly-X-Y triple helical domain (Pepin et al. 2014. PubMed ID: 24922459). Taken together, we interpret this variant as likely pathogenic.

Collagen Diagnostic Laboratory, University of Washington
Classification: Pathogenic for Ehlers-Danlos syndrome, type 4. Review status: no assertion criteria provided. Collection method: clinical testing. Allele origin: germline. Affected: yes. Not counted in ClinVar's aggregate classification.